The following is an entry in ClinVar:

NM_000038.6(APC):c.6859A>G (p.Arg2287Gly)

Gene: APC (APC regulator of Wnt signaling pathway; plus strand). Cytogenetic location: 5q22.2.
Variant type: single nucleotide variant.
Coding change: c.6859A>G on transcript NM_000038.6 (MANE Select); coding-DNA position 6859, A replaced by G.
Protein change: p.Arg2287Gly; replaces arginine 2287 with glycine.
Molecular consequence: missense variant. On other transcripts: non-coding transcript variant (2).
Genome position (GRCh38, 1-based): chr5:112,842,453, A>G. VCF-style: chr5-112842453-A-G. GRCh37 (hg19) VCF-style: chr5-112178150-A-G.
Other names: c.6859A>G, p.Arg2287Gly (NM_001127510.3, NM_001354895.2, NM_001407450.1); c.6805A>G, p.Arg2269Gly (NM_001127511.3); c.6736A>G, p.Arg2246Gly (NM_001354900.2); c.6889A>G, p.Arg2297Gly (NM_001354897.2); c.6784A>G, p.Arg2262Gly (NM_001354898.2); c.6775A>G, p.Arg2259Gly (NM_001354899.2); c.6913A>G, p.Arg2305Gly (NM_001354896.2, NM_001407447.1, NM_001407448.1 and 1 more transcripts); c.6682A>G, p.Arg2228Gly (NM_001354901.2, NM_001407453.1); and 11 more; short protein forms R1903G, R2158G, R2161G, R2186G, R2280G, R2297G, R2196G, R2305G.
Identifiers: ClinVar variation 3410273 (VCV003410273.1).
Genomic context (GRCh38, chr5:112,842,453, plus strand): 5'-GCCACCACTTCTCCTAGAGGAGCCAAGCCATCTGTGAAATCAGAATTAAGCCCTGTTGCC[A>G]GGCAGACATCCCAAATAGGTGGGTCAAGTAAAGCACCTTCTAGATCAGGATCTAGAGATT-3'
Protein context (NP_000029.2, residues 2277-2297): SVKSELSPVA[Arg2287Gly]QTSQIGGSSK

ClinVar aggregate classification (germline): Uncertain significance (1 of 4 stars; one submission).

Conditions:
Hereditary cancer-predisposing syndrome. Also called: Neoplastic Syndromes, Hereditary; Tumor predisposition; Hereditary Cancer Syndrome; Hereditary neoplastic syndrome. Identifiers: Orphanet 140162, MedGen C0027672, MeSH D009386, MONDO:0015356.

Submission:

Ambry Genetics
Classification: Uncertain significance for Hereditary cancer-predisposing syndrome. Last evaluated: 2024-08-16. Review status: criteria provided, single submitter. Criteria: Ambry Variant Classification Scheme 2023. Collection method: clinical testing. Allele origin: germline.
Comment: The p.R2287G variant (also known as c.6859A>G), located in coding exon 15 of the APC gene, results from an A to G substitution at nucleotide position 6859. The arginine at codon 2287 is replaced by glycine, an amino acid with dissimilar properties. This amino acid position is conserved. In addition, in silico predictors for this gene do not accurately predict pathogenicity. Based on the available evidence, the clinical significance of this variant remains unclear.